The following is an entry in ClinVar:

NM_020366.4(RPGRIP1):c.1196A>G (p.Asn399Ser)

Gene: RPGRIP1 (RPGR interacting protein 1; plus strand). Cytogenetic location: 14q11.2.
Variant type: single nucleotide variant.
Coding change: c.1196A>G on transcript NM_020366.4 (MANE Select); coding-DNA position 1196, A replaced by G.
Protein change: p.Asn399Ser; replaces asparagine 399 with serine.
Molecular consequence: missense variant.
Genome position (GRCh38, 1-based): chr14:21,317,740, A>G. VCF-style: chr14-21317740-A-G. GRCh37 (hg19) VCF-style: chr14-21785899-A-G.
Other names: c.122A>G, p.Asn41Ser (NM_001377523.1, NM_001377948.1, NM_001377949.1 and 1 more transcripts); short protein forms N41S, N399S.
Identifiers: ClinVar variation 4990755 (VCV004990755.1).

ClinVar aggregate classification (germline): Uncertain significance (1 of 4 stars; one submission).

Conditions:
RPGRIP1-related disorder. Also called: RPGRIP1-related condition.

gnomAD v4.1: 1 of 1,591,302 alleles (0.000063%); highest among the groups gnomAD compares: Non-Finnish European, 0.000086%; no homozygotes.

Submission:

PreventionGenetics, part of Exact Sciences
Classification: Uncertain significance for RPGRIP1-related condition. Last evaluated: 2026-09-14. Review status: criteria provided, single submitter. Criteria: ACMG Guidelines, 2015. Collection method: clinical testing. Allele origin: germline.
Comment: The RPGRIP1 c.1196A>G variant is predicted to result in the amino acid substitution p.Asn399Ser. To our knowledge, this variant has not been reported in the literature or in a large population database (gnomAD), indicating this variant is rare. At this time, the clinical significance of this variant is uncertain due to the absence of conclusive functional and genetic evidence.